The following is an entry in ClinVar:

ClinVar aggregate classification (germline): Uncertain significance (1 of 4 stars; one submission).

Conditions:
Inborn genetic diseases. Identifiers: MedGen C0950123, MeSH D030342.

Submission:

Ambry Genetics
Classification: Uncertain significance for Inborn genetic diseases. Last evaluated: 2025-03-02. Review status: criteria provided, single submitter. Criteria: Ambry Variant Classification Scheme 2023. Collection method: clinical testing. Allele origin: germline.
Comment: The p.L306V variant (also known as c.916T>G), located in coding exon 6 of the MECOM gene, results from a T to G substitution at nucleotide position 916. The leucine at codon 306 is replaced by valine, an amino acid with highly similar properties. This amino acid position is conserved. In addition, the in silico prediction for this alteration is inconclusive. Based on the available evidence, the clinical significance of this variant remains unclear.

NM_004991.4(MECOM):c.916T>G (p.Leu306Val)

Gene: MECOM (MDS1 and EVI1 complex locus; minus strand). Cytogenetic location: 3q26.2.
Variant type: single nucleotide variant.
Coding change: c.916T>G on transcript NM_004991.4 (MANE Select); coding-DNA position 916, T replaced by G.
Protein change: p.Leu306Val; replaces leucine 306 with valine.
Molecular consequence: missense variant.
Genome position (GRCh38, 1-based): chr3:169,122,642, A>C on the plus strand (T>G on the coding strand, the complement: MECOM is on the minus strand). VCF-style: chr3-169122642-A-C. GRCh37 (hg19) VCF-style: chr3-168840430-A-C.
Other names: c.544T>G, p.Leu182Val (NM_001105077.4); c.352T>G, p.Leu118Val (NM_001105078.4, NM_001163999.2, NM_001164000.2 and 9 more transcripts); c.916T>G, p.Leu306Val (NM_001366466.2, NM_001366473.2); short protein forms L182V, L306V, L118V.
Identifiers: ClinVar variation 3871871 (VCV003871871.1).
Genomic context (GRCh38, chr3:169,122,642, plus strand): 5'-TGGCACAGTTTTCACATTCATAGTGCTTTCCACTGTCATGTGACATCTGGTGGCGAATTA[A>C]ATTGGACTTCCAGTTAAATGCCTTGGGACACTGATCACACTTGTATTCCCTCTCTTCAGT-3'
Protein context (NP_004982.2, residues 296-316): CPKAFNWKSN[Leu306Val]IRHQMSHDSG